The following is an entry in ClinVar:

NM_000059.4(BRCA2):c.3757G>C (p.Ala1253Pro)

Gene: BRCA2 (BRCA2 DNA repair associated; plus strand). Cytogenetic location: 13q13.1.
Variant type: single nucleotide variant.
Coding change: c.3757G>C on transcript NM_000059.4 (MANE Select); coding-DNA position 3757, G replaced by C.
Protein change: p.Ala1253Pro; replaces alanine 1253 with proline.
Molecular consequence: missense variant. On other transcripts: non-coding transcript variant (1), intron variant (2).
Genome position (GRCh38, 1-based): chr13:32,338,112, G>C. VCF-style: chr13-32338112-G-C. GRCh37 (hg19) VCF-style: chr13-32912249-G-C.
Other names: c.3757G>C, p.Ala1253Pro (NM_001406719.1, NM_001406720.1, NM_001432077.1); c.1909+4725G>C (NM_001406721.1); c.425-6446G>C (NM_001406722.1); short protein forms A1253P.
Identifiers: ClinVar variation 3636465 (VCV003636465.2).
Genomic context (GRCh38, chr13:32,338,112, plus strand): 5'-GCTCTGCAAAAAGCTGTGAAACTGTTTAGTGATATTGAGAATATTAGTGAGGAAACTTCT[G>C]CAGAGGTACATCCAATAAGTTTATCTTCAAGTAAATGTCATGATTCTGTTGTTTCAATGT-3'
Protein context (NP_000050.3, residues 1243-1263): DIENISEETS[Ala1253Pro]EVHPISLSSS

ClinVar aggregate classification (germline): Uncertain significance (1 of 4 stars; one submission).

Conditions:
Hereditary breast ovarian cancer syndrome. Also called: Hereditary breast and ovarian cancer syndrome; Hereditary breast and ovarian cancer syndrome (HBOC); BRCA1- and BRCA2-Associated Hereditary Breast and Ovarian Cancer; Hereditary breast and ovarian cancer; Breast and ovarian cancer; Hereditary breast and/or ovarian cancer syndrome. Identifiers: Orphanet 145, MedGen C0677776, MeSH D061325, MONDO:0003582. Disease mechanism: loss of function.

Submission:

Labcorp Genetics (formerly Invitae), Labcorp
Classification: Uncertain significance for Hereditary breast ovarian cancer syndrome. Last evaluated: 2024-03-25. Review status: criteria provided, single submitter. Criteria: Invitae Variant Classification Sherloc (09022015). Collection method: clinical testing. Allele origin: germline.
Comment: This sequence change replaces alanine, which is neutral and non-polar, with proline, which is neutral and non-polar, at codon 1253 of the BRCA2 protein (p.Ala1253Pro). This variant is not present in population databases (gnomAD no frequency). This variant has not been reported in the literature in individuals affected with BRCA2-related conditions. Advanced modeling of protein sequence and biophysical properties (such as structural, functional, and spatial information, amino acid conservation, physicochemical variation, residue mobility, and thermodynamic stability) performed at Invitae indicates that this missense variant is not expected to disrupt BRCA2 protein function with a negative predictive value of 95%. In summary, the available evidence is currently insufficient to determine the role of this variant in disease. Therefore, it has been classified as a Variant of Uncertain Significance.